The following is an entry in ClinVar:

ClinVar aggregate classification (germline): Pathogenic/Likely pathogenic. Review status: criteria provided, multiple submitters, no conflicts (2 of 4 stars). 5 submissions from 5 submitters: Pathogenic (2); Likely pathogenic (3). Last evaluated 2026-02-13.

Conditions:
Nemaline myopathy. Also called: Myopathies, Nemaline. Identifiers: Orphanet 607, MedGen C0206157, MONDO:0018958.
Nemaline myopathy 2 (NEM2). Also called: Nemaline myopathy 2, autosomal recessive. Identifiers: MedGen C1850569, MONDO:0009725, OMIM 256030.
Arthrogryposis multiplex congenita 6. Identifiers: MedGen C5543431, MONDO:0030281, OMIM 619334.

Allele frequency attached by ClinVar (database versions not stated): gnomAD exomes below 0.00001.
gnomAD v4.1: 3 of 1,613,956 alleles (0.00019%); highest among the groups gnomAD compares: Non-Finnish European, 0.00017%; no homozygotes.

Submissions (5):

Myriad Genetics, Inc.
Classification: Pathogenic for Nemaline myopathy 2. Last evaluated: 2026-02-13. Review status: criteria provided, single submitter. Criteria: Myriad Autosomal Dominant, Autosomal Recessive and X-Linked Classification Criteria (2023). Collection method: clinical testing. Allele origin: unknown.
Comment: NM_001271208.1(NEB):c.9580C>T(Q3194*) is a nonsense variant classified as pathogenic in the context of NEB-related nemaline myopathy. Q3194* has not been observed in cases with relevant disease. Relevant functional assessments of this variant are not available in the literature. Q3194* has not been observed in referenced population frequency databases. In summary, NM_001271208.1(NEB):c.9580C>T(Q3194*) is a nonsense variant in a gene where loss of function is a known mechanism of disease and is predicted to disrupt protein function. Please note: this variant was assessed in the context of healthy population screening.

Natera, Inc.
Classification: Likely pathogenic for Nemaline myopathy type 2. Last evaluated: 2025-04-14. Review status: criteria provided, single submitter. Criteria: Natera Variant Classification Schema (03/2026). Collection method: clinical testing. Allele origin: germline.
Comment: The c.9580C>T variant in NEB is a nonsense variant predicted to introduce a stop codon at amino acid 3194. This variant is expected to result in nonsense mediated decay, truncation, or a dysfunctional protein product. This variant is rare in the general population with a frequency below the threshold expected for the associated phenotype(s). Given the available evidence, this variant is classified as Likely Pathogenic.

Broad Center for Mendelian Genomics, Broad Institute of MIT and Harvard
Classification: Likely pathogenic for Nemaline myopathy. Last evaluated: 2025-03-17. Review status: criteria provided, single submitter. Criteria: ACMG Guidelines, 2015. Collection method: curation. Allele origin: germline. Inheritance: Autosomal recessive inheritance.
Comment: The p.Gln3194Ter variant in NEB has not been previously reported in the literature in individuals with nemaline myopathy, but has been identified in 0.00002% (2/1179858) of European (non-Finnish) chromosomes by the Genome Aggregation Database (gnomAD, dbSNP ID: rs2098659971). Although this variant has been seen in the general population in a heterozygous state, its frequency is low enough to be consistent with a recessive carrier frequency. This variant has also been reported in ClinVar (Variation ID: 1365254) and has been interpreted as pathogenic by Invitae. This nonsense variant leads to a premature termination codon at position 3194, which is predicted to lead to a truncated or absent protein. Loss of function of the NEB gene is an established disease mechanism in autosomal recessive nemaline myopathy. In summary, although additional studies are required to fully establish its clinical significance, this variant is likely pathogenic for autosomal recessive nemaline myopathy. ACMG/AMP Criteria applied: PVS1, PM2_supporting (Richards 2015).

Fulgent Genetics
Classification: Likely pathogenic for Nemaline myopathy 2; Arthrogryposis multiplex congenita 6. Last evaluated: 2024-05-13. Review status: criteria provided, single submitter. Criteria: ACMG Guidelines, 2015. Collection method: clinical testing. Allele origin: germline.

Labcorp Genetics (formerly Invitae), Labcorp
Classification: Pathogenic for Nemaline myopathy 2. Last evaluated: 2020-11-21. Review status: criteria provided, single submitter. Criteria: Invitae Variant Classification Sherloc (09022015). Collection method: clinical testing. Allele origin: germline.
Comment: For these reasons, this variant has been classified as Pathogenic. Algorithms developed to predict the effect of sequence changes on RNA splicing suggest that this variant may create or strengthen a splice site, but this prediction has not been confirmed by published transcriptional studies. This variant has not been reported in the literature in individuals with NEB-related conditions. This variant is not present in population databases (ExAC no frequency). This sequence change creates a premature translational stop signal (p.Gln3194*) in the NEB gene. It is expected to result in an absent or disrupted protein product. Loss-of-function variants in NEB are known to be pathogenic (PMID: 25205138).

Literature cited by the submitters: PubMed 25205138 (cited by Labcorp Genetics (formerly Invitae), Labcorp).

NM_001164508.2(NEB):c.9580C>T (p.Gln3194Ter)

Gene: NEB (nebulin; minus strand). Cytogenetic location: 2q23.3.
Variant type: single nucleotide variant.
Coding change: c.9580C>T on transcript NM_001164508.2 (MANE Select); coding-DNA position 9580, C replaced by T.
Protein change: p.Gln3194Ter; replaces glutamine 3194 with a stop codon.
Molecular consequence: nonsense. On other transcripts: intron variant (1).
Genome position (GRCh38, 1-based): chr2:151,631,181, G>A on the plus strand (C>T on the coding strand, the complement: NEB is on the minus strand). VCF-style: chr2-151631181-G-A. GRCh37 (hg19) VCF-style: chr2-152487695-G-A.
Other names: NM_001164508.2(NEB):c.9580C>T; p.Gln3194Ter; c.9580C>T, p.Gln3194Ter (NM_001164507.2, NM_001271208.2); c.8854-3C>T (NM_004543.5); short protein forms Q3194*.
Identifiers: ClinVar variation 1365254 (VCV001365254.10), dbSNP rs2098659971, ClinGen allele CA348799770.